The following is an entry in ClinVar:

NM_015693.4(INTU):c.882G>C (p.Glu294Asp)

Gene: INTU (inturned planar cell polarity protein; plus strand). Cytogenetic location: 4q28.1.
Variant type: single nucleotide variant.
Coding change: c.882G>C on transcript NM_015693.4 (MANE Select); coding-DNA position 882, G replaced by C.
Protein change: p.Glu294Asp; replaces glutamic acid 294 with aspartic acid.
Molecular consequence: missense variant.
Genome position (GRCh38, 1-based): chr4:127,663,494, G>C. VCF-style: chr4-127663494-G-C. GRCh37 (hg19) VCF-style: chr4-128584649-G-C.
Other names: short protein forms E294D.
Identifiers: ClinVar variation 4743011 (VCV004743011.1).

ClinVar aggregate classification (germline): Uncertain significance (1 of 4 stars; one submission).

Submission:

Labcorp Genetics (formerly Invitae), Labcorp
Classification: Uncertain significance. Last evaluated: 2025-05-07. Review status: criteria provided, single submitter. Criteria: Invitae Variant Classification Sherloc (09022015). Collection method: clinical testing. Allele origin: germline.
Comment: This sequence change replaces glutamic acid, which is acidic and polar, with aspartic acid, which is acidic and polar, at codon 294 of the INTU protein (p.Glu294Asp). This variant is not present in population databases (gnomAD no frequency). This variant has not been reported in the literature in individuals affected with INTU-related conditions. Invitae Evidence Modeling of protein sequence and biophysical properties (such as structural, functional, and spatial information, amino acid conservation, physicochemical variation, residue mobility, and thermodynamic stability) indicates that this missense variant is not expected to disrupt INTU protein function with a negative predictive value of 80%. In summary, the available evidence is currently insufficient to determine the role of this variant in disease. Therefore, it has been classified as a Variant of Uncertain Significance.